The following is an entry in ClinVar:

ClinVar aggregate classification (germline): Uncertain significance. Review status: criteria provided, multiple submitters, no conflicts (2 of 4 stars). 7 submissions from 3 submitters: Uncertain significance (7). Last evaluated 2025-12-22.

Conditions:
Cardiovascular phenotype. Identifiers: MedGen CN230736.
TTN-related disorder. Also called: TTN-related condition; TTN-related disease; TTN-related disorders.
Dilated cardiomyopathy 1G (CMD1G). Identifiers: Orphanet 154, MedGen C1858763, MONDO:0011400, OMIM 604145.
Early-onset myopathy with fatal cardiomyopathy (CMYO5). Also called: CONGENITAL MYOPATHY 5 WITH CARDIOMYOPATHY; Salih Myopathy. Identifiers: Orphanet 289377, MedGen C2673677, MONDO:0012714, OMIM 611705. Disease mechanism: loss of function.
Myopathy, myofibrillar, 9, with early respiratory failure (MFM9). Also called: Myopathy, distal, with early respiratory failure, autosomal dominant; EDSTROM MYOPATHY; MYOPATHY, PROXIMAL, WITH EARLY RESPIRATORY MUSCLE INVOLVEMENT; Hereditary myopathy with early respiratory failure. Identifiers: Orphanet 178464, Orphanet 34521, MedGen C1863599, MONDO:0011362, OMIM 603689.
Autosomal recessive limb-girdle muscular dystrophy type 2J (LGMDR10). Also called: MUSCULAR DYSTROPHY, LIMB-GIRDLE, AUTOSOMAL RECESSIVE 10; Limb-girdle muscular dystrophy, type 2J. Identifiers: Orphanet 140922, MedGen C1837342, MONDO:0012127, OMIM 608807.
Tibial muscular dystrophy (TMD). Also called: Tibial muscular dystrophy, tardive; UDD MYOPATHY; Udd Distal Myopathy – Tibial Muscular Dystrophy. Identifiers: Orphanet 609, MedGen C1838244, MONDO:0010870, OMIM 600334.

Allele frequency attached by ClinVar (database versions not stated): gnomAD 0.00002 and 0.00003; TOPMed 0.00002; ESP Exome Variant Server 0.00008.
gnomAD v4.1: 31 of 1,613,498 alleles (0.0019%); highest among the groups gnomAD compares: Non-Finnish European, 0.0023%; no homozygotes.

Submissions (7):

PreventionGenetics, part of Exact Sciences
Classification: Uncertain significance for TTN-related condition. Last evaluated: 2025-12-22. Review status: criteria provided, single submitter. Criteria: ACMG Guidelines, 2015. Collection method: clinical testing. Allele origin: germline.
Comment: The TTN c.79103G>T variant is predicted to result in the amino acid substitution p.Gly26368Val. To our knowledge, this variant has not been reported in the literature. This variant is reported in 0.0041% of alleles in individuals of African descent in gnomAD. At this time, the clinical significance of this variant is uncertain due to the absence of conclusive functional and genetic evidence.

Illumina Laboratory Services, Illumina
Classification: Uncertain significance for Autosomal recessive limb-girdle muscular dystrophy type 2J. Last evaluated: 2018-01-12. Review status: criteria provided, single submitter. Criteria: ICSL Variant Classification Criteria 13 December 2019. Collection method: clinical testing. Allele origin: germline.

Illumina Laboratory Services, Illumina
Classification: Uncertain significance for Tibial muscular dystrophy. Last evaluated: 2018-01-12. Review status: criteria provided, single submitter. Criteria: ICSL Variant Classification Criteria 13 December 2019. Collection method: clinical testing. Allele origin: germline.

Illumina Laboratory Services, Illumina
Classification: Uncertain significance for Myopathy, myofibrillar, 9, with early respiratory failure. Last evaluated: 2018-01-12. Review status: criteria provided, single submitter. Criteria: ICSL Variant Classification Criteria 13 December 2019. Collection method: clinical testing. Allele origin: germline.

Illumina Laboratory Services, Illumina
Classification: Uncertain significance for Early-onset myopathy with fatal cardiomyopathy. Last evaluated: 2018-01-12. Review status: criteria provided, single submitter. Criteria: ICSL Variant Classification Criteria 13 December 2019. Collection method: clinical testing. Allele origin: germline.

Illumina Laboratory Services, Illumina
Classification: Uncertain significance for Dilated cardiomyopathy 1G. Last evaluated: 2018-01-12. Review status: criteria provided, single submitter. Criteria: ICSL Variant Classification Criteria 13 December 2019. Collection method: clinical testing. Allele origin: germline.

Ambry Genetics
Classification: Uncertain significance for Cardiovascular phenotype. Last evaluated: 2015-05-20. Review status: criteria provided, single submitter. Criteria: Ambry Variant Classification Scheme 2023. Collection method: clinical testing. Allele origin: germline.
Comment: The p.G17303V variant (also known as c.51908G>T), located in coding exon 153 of the TTN gene, results from a G to T substitution at nucleotide position 51908. The glycine at codon 17303 is replaced by valine, an amino acid with dissimilar properties. This variant was previously reported in the SNPDatabase as rs371325635. Based on data from the NHLBI Exome Sequencing Project (ESP), the T allele has an overall frequency of approximately 0.01% (1/11908) total alleles studied and 0.01% (1/8176) European American alleles. This amino acid position is highly conserved in available vertebrate species. In addition, the in silico prediction for this alteration is inconclusive. Since supporting evidence is limited at this time, the clinical significance of p.G17303V remains unclear.

NM_001267550.2(TTN):c.79103G>T (p.Gly26368Val)

Genes: TTN (titin; minus strand), TTN-AS1 (TTN antisense RNA 1; plus strand). Cytogenetic location: 2q31.2.
Variant type: single nucleotide variant.
Coding change: c.79103G>T on transcript NM_001267550.2 (MANE Select); coding-DNA position 79103, G replaced by T.
Protein change: p.Gly26368Val; replaces glycine 26368 with valine.
Molecular consequence: missense variant.
Genome position (GRCh38, 1-based): chr2:178,567,029, C>A on the plus strand (G>T on the coding strand, the complement: TTN is on the minus strand). VCF-style: chr2-178567029-C-A. GRCh37 (hg19) VCF-style: chr2-179431756-C-A.
Other names: c.74180G>T, p.Gly24727Val (NM_001256850.1); c.51908G>T, p.Gly17303Val (NM_003319.4); c.71399G>T, p.Gly23800Val (NM_133378.4); c.52283G>T, p.Gly17428Val (NM_133432.3); c.52484G>T, p.Gly17495Val (NM_133437.4); short protein forms G17303V, G26368V, G17495V, G17428V, G23800V, G24727V.
Identifiers: ClinVar variation 264020 (VCV000264020.10), dbSNP rs371325635, ClinGen allele CA10587474.